The following is an entry in ClinVar:

ClinVar aggregate classification (germline): Uncertain significance (1 of 4 stars; one submission).

Allele frequency attached by ClinVar (database versions not stated): gnomAD exomes below 0.00001; ExAC 0.00001; gnomAD 0.00001; TOPMed 0.00003; ESP Exome Variant Server 0.00008.
gnomAD v4.1: 8 of 1,614,034 alleles (0.0005%); highest among the groups gnomAD compares: African/African-American, 0.0093%; no homozygotes.

Submission:

Labcorp Genetics (formerly Invitae), Labcorp
Classification: Uncertain significance. Last evaluated: 2022-11-08. Review status: criteria provided, single submitter. Criteria: Invitae Variant Classification Sherloc (09022015). Collection method: clinical testing. Allele origin: germline.
Comment: In summary, the available evidence is currently insufficient to determine the role of this variant in disease. Therefore, it has been classified as a Variant of Uncertain Significance. Variants that disrupt the consensus splice site are a relatively common cause of aberrant splicing (PMID: 17576681, 9536098). Algorithms developed to predict the effect of sequence changes on RNA splicing suggest that this variant is not likely to affect RNA splicing. This variant has not been reported in the literature in individuals affected with COL4A2-related conditions. This variant is present in population databases (rs369871224, gnomAD 0.007%). This sequence change falls in intron 39 of the COL4A2 gene. It does not directly change the encoded amino acid sequence of the COL4A2 protein. It affects a nucleotide within the consensus splice site.

Literature cited by the submitters: PubMed 17576681; PubMed 9536098.

NM_001846.4(COL4A2):c.3635-3C>T

Gene: COL4A2 (collagen type IV alpha 2 chain; plus strand). Cytogenetic location: 13q34.
Variant type: single nucleotide variant.
Coding change: c.3635-3C>T on transcript NM_001846.4 (MANE Select); 3 bases into the intron before coding-DNA position 3635, C replaced by T.
Molecular consequence: intron variant.
Genome position (GRCh38, 1-based): chr13:110,495,339, C>T. VCF-style: chr13-110495339-C-T. GRCh37 (hg19) VCF-style: chr13-111147686-C-T.
Identifiers: ClinVar variation 1923653 (VCV001923653.5), dbSNP rs369871224, ClinGen allele CA7050290.